The following is an entry in ClinVar:

ClinVar aggregate classification (germline): Uncertain significance. Review status: criteria provided, single submitter (1 of 4 stars). 2 submissions from 2 submitters: Uncertain significance (1). 1 of the submissions does not count toward it. Last evaluated 2022-04-24.

Conditions:
GNPTG-mucolipidosis. Also called: ML III GAMMA; ML IIIC; Mucolipidosis type III gamma; MUCOLIPIDOSIS III, COMPLEMENTATION GROUP C; MUCOLIPIDOSIS III, IRANIAN VARIANT FORM; MUCOLIPIDOSIS III, VARIANT FORM. Identifiers: Orphanet 423470, Orphanet 577, MedGen C1854896, MONDO:0009652, OMIM 252605.

Submissions (2):

Labcorp Genetics (formerly Invitae), Labcorp
Classification: Uncertain significance. Last evaluated: 2022-04-24. Review status: criteria provided, single submitter. Criteria: Invitae Variant Classification Sherloc (09022015). Collection method: clinical testing. Allele origin: germline.
Comment: This sequence change replaces alanine, which is neutral and non-polar, with glycine, which is neutral and non-polar, at codon 25 of the GNPTG protein (p.Ala25Gly). This variant is not present in population databases (gnomAD no frequency). This variant has not been reported in the literature in individuals affected with GNPTG-related conditions. ClinVar contains an entry for this variant (Variation ID: 549903). Algorithms developed to predict the effect of missense changes on protein structure and function output the following: SIFT: "Tolerated"; PolyPhen-2: "Not Available"; Align-GVGD: "Class C0". The glycine amino acid residue is found in multiple mammalian species, which suggests that this missense change does not adversely affect protein function. In summary, the available evidence is currently insufficient to determine the role of this variant in disease. Therefore, it has been classified as a Variant of Uncertain Significance.

Counsyl
Classification: Uncertain significance for GNPTG-mucolipidosis. Last evaluated: 2017-12-14. Review status: no assertion criteria provided. Collection method: clinical testing. Allele origin: unknown. Not counted in ClinVar's aggregate classification.

Literature cited by the submitters: PubMed 26130485 (cited by Counsyl).

NM_032520.5(GNPTG):c.74C>G (p.Ala25Gly)

Genes: GNPTG (N-acetylglucosamine-1-phosphate transferase subunit gamma; plus strand), LOC130058158 (ATAC-STARR-seq lymphoblastoid silent region 6972; plus strand). Cytogenetic location: 16p13.3.
Variant type: single nucleotide variant.
Coding change: c.74C>G on transcript NM_032520.5 (MANE Select); coding-DNA position 74, C replaced by G.
Protein change: p.Ala25Gly; replaces alanine 25 with glycine.
Molecular consequence: missense variant.
Genome position (GRCh38, 1-based): chr16:1,352,123, C>G. VCF-style: chr16-1352123-C-G. GRCh37 (hg19) VCF-style: chr16-1402124-C-G.
Other names: short protein forms A25G.
Identifiers: ClinVar variation 549903 (VCV000549903.4), dbSNP rs137853826, ClinGen allele CA394184063.